The following is an entry in ClinVar:

ClinVar aggregate classification (germline): Uncertain significance. Review status: criteria provided, multiple submitters, no conflicts (2 of 4 stars). 3 submissions from 3 submitters: Uncertain significance (3). Last evaluated 2026-04-17.

Conditions:
PKD1-related disorder. Also called: PKD1-related condition.
Polycystic kidney disease, adult type (PKD1). Also called: Polycystic Kidney Disease 1, Autosomal Dominant; Polycystic kidney disease 1; Polycystic kidney disease 1, severe; Polycystic Kidney, Autosomal Dominant; POLYCYSTIC KIDNEY DISEASE 1 WITH OR WITHOUT POLYCYSTIC LIVER DISEASE; POLYCYSTIC KIDNEY DISEASE, ADULT, TYPE I. Identifiers: MedGen C3149841, MONDO:0008263, OMIM 173900.

Allele frequency attached by ClinVar (database versions not stated): gnomAD exomes 0.00001.
gnomAD v4.1: 5 of 1,608,180 alleles (0.00031%); highest among the groups gnomAD compares: South Asian, 0.0056%; 1 homozygote.

Submissions (3):

Women's Health and Genetics/Laboratory Corporation of America, LabCorp
Classification: Uncertain significance. Last evaluated: 2026-04-17. Review status: criteria provided, single submitter. Criteria: LabCorp Variant Classification Summary - May 2015. Collection method: clinical testing. Allele origin: germline.
Comment: Variant summary: PKD1 c.10903G>C (p.Ala3635Pro) results in a non-conservative amino acid change in the encoded protein sequence. Algorithms developed to predict the effect of missense changes on protein structure and function are either unavailable or do not agree on the potential impact of this missense change. The variant allele was found at a frequency of 8.4e-06 in 239132 control chromosomes in the gnomAD database, including 1 homozygotes. The available data on variant occurrences in the general population are insufficient to allow any conclusion about variant significance. To our knowledge, no occurrence of c.10903G>C in individuals affected with PKD1-related conditions and no experimental evidence demonstrating its impact on protein function have been reported. ClinVar contains an entry for this variant (Variation ID: 811336). Based on the evidence outlined above, the variant was classified as uncertain significance.

PreventionGenetics, part of Exact Sciences
Classification: Uncertain significance for PKD1-related condition. Last evaluated: 2022-09-10. Review status: criteria provided, single submitter. Criteria: ACMG Guidelines, 2015. Collection method: clinical testing. Allele origin: germline.
Comment: The PKD1 c.10903G>C variant is predicted to result in the amino acid substitution p.Ala3635Pro. To our knowledge, this variant has not been reported in the literature. This variant is reported in 0.0068% of alleles in individuals of South Asian descent in gnomAD. Of note, a different substitution at the same codon defined as p.Ala3635Asp has been reported in individuals with autosomal dominant polycystic kidney disease (ADPKD), but the clinical significance is unknown (Mori et al. 2017. PubMed ID: 26920127; Kim et al. 2019. PubMed ID: 31740684, reported as p.Ala3634Asp at Supplementary Table S6C). At this time, the clinical significance of the p.Ala3635Pro variant in this patient is uncertain due to the absence of conclusive functional and genetic evidence.

ARUP Laboratories, Molecular Genetics and Genomics, ARUP Laboratories
Classification: Uncertain significance for Polycystic kidney disease, adult type. Last evaluated: 2019-03-01. Review status: criteria provided, single submitter. Criteria: ARUP Molecular Germline Variant Investigation Process. Collection method: clinical testing. Allele origin: germline.
Comment: The PKD1 c.10903G>C; p.Ala3635Pro variant (rs1166642512), to our knowledge, is not reported in the medical literature or gene-specific databases. This variant is found on two chromosomes (2/239132 alleles) in the Genome Aggregation Database. The alanine at codon 3635 is moderately conserved, but computational analyses (SIFT: tolerated, PolyPhen-2: damaging) predict conflicting effects of this variant on protein structure/function. Another amino acid substitution at this codon (p.Ala3635Asp) has been reported in an individual with polycystic kidney disease, but its clinical significance is uncertain (Mori 2017). Due to limited information, the clinical significance of the p.Ala3635Pro variant is uncertain at this time. References: Mori T et al. Comprehensive genetic testing approach for major inherited kidney diseases, using next-generation sequencing with a custom panel. Clin Exp Nephrol. 2017 Feb;21(1):63-75.

NM_001009944.3(PKD1):c.10903G>C (p.Ala3635Pro)

Genes: PKD1 (polycystin 1, transient receptor potential channel interacting; minus strand), PKD1-AS1 (PKD1 antisense RNA 1; plus strand). Cytogenetic location: 16p13.3.
Variant type: single nucleotide variant.
Coding change: c.10903G>C on transcript NM_001009944.3 (MANE Select); coding-DNA position 10903, G replaced by C.
Protein change: p.Ala3635Pro; replaces alanine 3635 with proline.
Molecular consequence: missense variant.
Genome position (GRCh38, 1-based): chr16:2,093,657, C>G on the plus strand (G>C on the coding strand, the complement: PKD1 is on the minus strand). VCF-style: chr16-2093657-C-G. GRCh37 (hg19) VCF-style: chr16-2143658-C-G.
Other names: c.10900G>C, p.Ala3634Pro (NM_000296.4); c.10903G>C (NM_001009944.2); short protein forms A3634P, A3635P.
Identifiers: ClinVar variation 811336 (VCV000811336.10), dbSNP rs1166642512, ClinGen allele CA394338941.